The following is an entry in ClinVar:

NM_000146.4(FTL):c.169GAG[1] (p.Glu58del)

Gene: FTL (ferritin light chain; plus strand). Cytogenetic location: 19q13.33.
Variant type: Microsatellite.
Coding change: c.169GAG[1] on transcript NM_000146.4 (MANE Select); one copy of the 3-base unit GAG starting at c.169; the reference has two copies in a row; one copy, 3 bases deleted.
Protein change: p.Glu58del; deletes glutamic acid 58.
Molecular consequence: inframe deletion.
Genome position (GRCh38, 1-based): chr19:48,965,839-48,965,841, GAG deleted; deleting any 3 consecutive bases within chr19:48,965,836-48,965,841 gives the same sequence; the position shown is the placement nearest the transcript's 3' end. VCF-style (leftmost placement, unchanged base first): chr19-48965835-CGAG-C. GRCh37 (hg19) VCF-style: chr19-49469092-CGAG-C.
Other names: short protein forms E58del.
Identifiers: ClinVar variation 4975239 (VCV004975239.1).

ClinVar aggregate classification (germline): Uncertain significance (1 of 4 stars; one submission).

Submission:

GeneDx
Classification: Uncertain significance. Last evaluated: 2026-01-23. Review status: criteria provided, single submitter. Criteria: GeneDx Variant Classification Process June 2021. Collection method: clinical testing. Allele origin: germline.
Comment: Not observed at significant frequency in large population cohorts (gnomAD); In-frame deletion of 1 amino acid(s) in a non-repeat region; In silico analysis supports a deleterious effect on protein structure/function; Has not been previously published as pathogenic or benign to our knowledge